The following is an entry in ClinVar:

NM_006231.4(POLE):c.2784C>A (p.Ser928Arg)

Gene: POLE (DNA polymerase epsilon, catalytic subunit; minus strand). Cytogenetic location: 12q24.33.
Variant type: single nucleotide variant.
Coding change: c.2784C>A on transcript NM_006231.4 (MANE Select); coding-DNA position 2784, C replaced by A.
Protein change: p.Ser928Arg; replaces serine 928 with arginine.
Molecular consequence: missense variant.
Genome position (GRCh38, 1-based): chr12:132,661,607, G>T on the plus strand (C>A on the coding strand, the complement: POLE is on the minus strand). VCF-style: chr12-132661607-G-T. GRCh37 (hg19) VCF-style: chr12-133238193-G-T.
Other names: short protein forms S928R.
Identifiers: ClinVar variation 848790 (VCV000848790.13), dbSNP rs1011427549, ClinGen allele CA246317393.
Genomic context (GRCh38, chr12:132,661,607, plus strand): 5'-TTCTTCCTTGGAGGCTGGAAGAATCATGGCAAGGTAGGGCCCATCAACCTCAAAAAAGAT[G>T]CTGTTCTCTGAGCGGGTGACGTAGGTGAGTGAGGACGGCTCAGCCAGCTCCTGGTACTGG-3'
Protein context (NP_006222.2, residues 918-938): SLTYVTRSEN[Ser928Arg]IFFEVDGPYL

ClinVar aggregate classification (germline): Uncertain significance. Review status: criteria provided, multiple submitters, no conflicts (2 of 4 stars). 2 submissions from 2 submitters: Uncertain significance (2). Last evaluated 2025-09-10.

Conditions:
Hereditary cancer-predisposing syndrome. Also called: Tumor predisposition; Neoplastic Syndromes, Hereditary; Hereditary neoplastic syndrome; Hereditary Cancer Syndrome. Identifiers: Orphanet 140162, MedGen C0027672, MeSH D009386, MONDO:0015356.

gnomAD v4.1: 2 of 1,614,168 alleles (0.00012%); highest among the groups gnomAD compares: Non-Finnish European, 0.00017%; no homozygotes.

Submissions (2):

Labcorp Genetics (formerly Invitae), Labcorp
Classification: Uncertain significance. Last evaluated: 2025-09-10. Review status: criteria provided, single submitter. Criteria: Invitae Variant Classification Sherloc (09022015). Collection method: clinical testing. Allele origin: germline.
Comment: This sequence change replaces serine, which is neutral and polar, with arginine, which is basic and polar, at codon 928 of the POLE protein (p.Ser928Arg). This variant is not present in population databases (gnomAD no frequency). This variant has not been reported in the literature in individuals affected with POLE-related conditions. ClinVar contains an entry for this variant (Variation ID: 848790). Invitae Evidence Modeling of protein sequence and biophysical properties (such as structural, functional, and spatial information, amino acid conservation, physicochemical variation, residue mobility, and thermodynamic stability) indicates that this missense variant is expected to disrupt POLE protein function with a positive predictive value of 80%. In summary, the available evidence is currently insufficient to determine the role of this variant in disease. Therefore, it has been classified as a Variant of Uncertain Significance.

Ambry Genetics
Classification: Uncertain significance for Hereditary cancer-predisposing syndrome. Last evaluated: 2024-07-13. Review status: criteria provided, single submitter. Criteria: Ambry Variant Classification Scheme 2023. Collection method: clinical testing. Allele origin: germline.
Comment: The p.S928R variant (also known as c.2784C>A), located in coding exon 24 of the POLE gene, results from a C to A substitution at nucleotide position 2784. The serine at codon 928 is replaced by arginine, an amino acid with dissimilar properties. This amino acid position is conserved. In addition, the in silico prediction for this alteration is inconclusive. Since supporting evidence is limited at this time, the clinical significance of this alteration remains unclear.